The following is an entry in ClinVar:

ClinVar aggregate classification (germline): Uncertain significance (1 of 4 stars; one submission).

Conditions:
Familial meningioma. Also called: Meningioma, familial, susceptibility to. Identifiers: Orphanet 263662, MedGen C3551915, MONDO:0011789, OMIM 607174.

Submission:

Labcorp Genetics (formerly Invitae), Labcorp
Classification: Uncertain significance for Familial meningioma. Last evaluated: 2025-03-12. Review status: criteria provided, single submitter. Criteria: Invitae Variant Classification Sherloc (09022015). Collection method: clinical testing. Allele origin: germline.
Comment: This variant, c.996_998del, results in the deletion of 1 amino acid(s) of the SMARCE1 protein (p.Lys333del), but otherwise preserves the integrity of the reading frame. This variant is not present in population databases (gnomAD no frequency). This variant has not been reported in the literature in individuals affected with SMARCE1-related conditions. Experimental studies and prediction algorithms are not available or were not evaluated, and the functional significance of this variant is currently unknown. In summary, the available evidence is currently insufficient to determine the role of this variant in disease. Therefore, it has been classified as a Variant of Uncertain Significance.

NM_003079.5(SMARCE1):c.993GAA[1] (p.Lys333del)

Gene: SMARCE1 (SWI/SNF related BAF chromatin remodeling complex subunit E1; minus strand). Cytogenetic location: 17q21.2.
Variant type: Microsatellite.
Coding change: c.993GAA[1] on transcript NM_003079.5 (MANE Select); one copy of the 3-base unit GAA starting at c.993; the reference has two copies in a row; one copy, 3 bases deleted.
Protein change: p.Lys333del; deletes lysine 333.
Molecular consequence: inframe deletion.
Genome position (GRCh38, 1-based): chr17:40,630,743-40,630,745, TTC deleted on the plus strand (GAA on the coding strand, the reverse complement: SMARCE1 is on the minus strand); deleting any 3 consecutive bases within chr17:40,630,743-40,630,749 gives the same sequence; the position shown is the placement nearest the transcript's 3' end. VCF-style (leftmost placement, unchanged base first): chr17-40630742-TTTC-T. GRCh37 (hg19) VCF-style: chr17-38786994-TTTC-T.
Other names: short protein forms K333del.
Identifiers: ClinVar variation 2908027 (VCV002908027.3), dbSNP rs2508595826, ClinGen allele CA2739267527.
Genomic context (GRCh38, chr17:40,630,742, plus strand): 5'-CACTGCCTCTGCGTTTGTTGCTAGTGGGTTACCTGTCTCCATCGGAATGTTCTCGTCGTC[TTTC>T]TTCTCCTCGCCTTTGTTAGCTGCTTGTTCTTCCTCAGGAACGATGCTGCTCTGACTGCGC-3'